The following is an entry in ClinVar:

NM_004415.4(DSP):c.8207T>A (p.Leu2736His)

Gene: DSP (desmoplakin; plus strand). Cytogenetic location: 6p24.3.
Variant type: single nucleotide variant.
Coding change: c.8207T>A on transcript NM_004415.4 (MANE Select); coding-DNA position 8207, T replaced by A.
Protein change: p.Leu2736His; replaces leucine 2736 with histidine.
Molecular consequence: missense variant.
Genome position (GRCh38, 1-based): chr6:7,585,469, T>A. VCF-style: chr6-7585469-T-A. GRCh37 (hg19) VCF-style: chr6-7585702-T-A.
Other names: c.6410T>A, p.Leu2137His (NM_001008844.3); c.6878T>A, p.Leu2293His (NM_001319034.2); short protein forms L2293H, L2736H, L2137H.
Identifiers: ClinVar variation 1525545 (VCV001525545.8), dbSNP rs1759625908, ClinGen allele CA362694671.
Genomic context (GRCh38, chr6:7,585,469, plus strand): 5'-AATGGCTCCCGTATGAGGCTGGCCAGCGCTTCCTGGAGTTCCAGTACCTCACGGGAGGTC[T>A]TGTTGACCCGGAAGTGCATGGGAGGATAAGCACCGAAGAAGCCATCCGGAAGGGGTTCAT-3'
Protein context (NP_004406.2, residues 2726-2746): FLEFQYLTGG[Leu2736His]VDPEVHGRIS

ClinVar aggregate classification (germline): Uncertain significance (1 of 4 stars; one submission).

Conditions:
Arrhythmogenic right ventricular dysplasia 8 (ARVD8). Also called: Arrhythmogenic Right Ventricular Dysplasia/Cardiomyopathy 8; ARRHYTHMOGENIC RIGHT VENTRICULAR CARDIOMYOPATHY 8; ARRHYTHMOGENIC RIGHT VENTRICULAR DYSPLASIA, FAMILIAL, 8. Identifiers: MedGen C1843896, MONDO:0011831, OMIM 607450.
Arrhythmogenic cardiomyopathy with wooly hair and keratoderma. Also called: PALMOPLANTAR KERATODERMA WITH LEFT VENTRICULAR CARDIOMYOPATHY AND WOOLLY HAIR; Carvajal syndrome; Dilated cardiomyopathy with woolly hair and keratoderma; Arrhythmogenic cardiomyopathy with woolly hair and keratoderma. Identifiers: Orphanet 65282, MedGen C1854063, MONDO:0011581, OMIM 605676.

Submission:

Labcorp Genetics (formerly Invitae), Labcorp
Classification: Uncertain significance for Arrhythmogenic cardiomyopathy with wooly hair and keratoderma; Arrhythmogenic right ventricular dysplasia 8. Last evaluated: 2021-06-06. Review status: criteria provided, single submitter. Criteria: Invitae Variant Classification Sherloc (09022015). Collection method: clinical testing. Allele origin: germline.
Comment: In summary, the available evidence is currently insufficient to determine the role of this variant in disease. Therefore, it has been classified as a Variant of Uncertain Significance. Algorithms developed to predict the effect of missense changes on protein structure and function (SIFT, PolyPhen-2, Align-GVGD) all suggest that this variant is likely to be disruptive, but these predictions have not been confirmed by published functional studies and their clinical significance is uncertain. This variant has not been reported in the literature in individuals with DSP-related conditions. This variant is not present in population databases (ExAC no frequency). This sequence change replaces leucine with histidine at codon 2736 of the DSP protein (p.Leu2736His). The leucine residue is highly conserved and there is a moderate physicochemical difference between leucine and histidine.